The following is an entry in ClinVar:

NM_001042432.2(CLN3):c.1057-55C>T

Gene: CLN3 (CLN3 lysosomal/endosomal transmembrane protein, battenin; minus strand). Cytogenetic location: 16p12.1.
Variant type: single nucleotide variant.
Coding change: c.1057-55C>T on transcript NM_001042432.2 (MANE Select); 55 bases into the intron before coding-DNA position 1057, C replaced by T.
Molecular consequence: intron variant.
Genome position (GRCh38, 1-based): chr16:28,477,932, G>A on the plus strand (C>T on the coding strand, the complement: CLN3 is on the minus strand). VCF-style: chr16-28477932-G-A. GRCh37 (hg19) VCF-style: chr16-28489253-G-A.
Other names: c.823-55C>T (NM_001286109.2); c.985-55C>T (NM_001286104.2); c.757-55C>T (NM_001286105.2); c.895-55C>T (NM_001286110.2); c.1057-55C>T (NM_000086.2).
Identifiers: ClinVar variation 673187 (VCV000673187.1), dbSNP rs74016815, ClinGen allele CA279779202.

ClinVar aggregate classification (germline): Benign (1 of 4 stars; one submission).

Allele frequency attached by ClinVar (database versions not stated): gnomAD exomes 0.00176; gnomAD 0.01393 and 0.01495; 1000 Genomes Project 0.01538; TOPMed 0.01579; 1000 Genomes Project 30x 0.01640.
gnomAD v4.1: 4,764 of 1,600,198 alleles (0.3%); highest among the groups gnomAD compares: African/African-American, 4.8%; 94 homozygotes.

Submission:

GeneDx
Classification: Benign. Last evaluated: 2018-06-19. Review status: criteria provided, single submitter. Criteria: GeneDx Variant Classification (06012015). Collection method: clinical testing. Allele origin: germline. Affected: yes.
Comment: This variant is considered likely benign or benign based on one or more of the following criteria: it is a conservative change, it occurs at a poorly conserved position in the protein, it is predicted to be benign by multiple in silico algorithms, and/or has population frequency not consistent with disease.